The following is an entry in ClinVar:

ClinVar aggregate classification (germline): Benign (1 of 4 stars; one submission).

Submission:

Unidad de Genómica Garrahan, Hospital de Pediatría Garrahan
Classification: Benign. Last evaluated: 2024-01-24. Review status: criteria provided, single submitter. Criteria: ACMG Guidelines, 2015. Collection method: clinical testing. Allele origin: germline. Affected: no. Observed: 19 variant alleles.
Comment: This variant is classified as Benign based on local population frequency. This variant was detected in 20% of patients studied by a panel of primary immunodeficiencies. Number of patients: 19. Only high quality variants are reported.

NM_006949.4(STXBP2):c.247-176TG[6]

Gene: STXBP2 (syntaxin binding protein 2; plus strand). Cytogenetic location: 19p13.2.
Variant type: Microsatellite.
Coding change: c.247-176TG[6] on transcript NM_006949.4 (MANE Select); six copies in a row of the 2-base unit TG starting at c.247-176; the reference has five copies in a row; one copy, 2 bases duplicated.
Molecular consequence: intron variant.
Genome position (GRCh38, 1-based): chr19:7,640,563-7,640,564, TG duplicated; duplicating any 2 consecutive bases within chr19:7,640,555-7,640,564 gives the same sequence; the position shown is the placement nearest the transcript's 3' end. VCF-style (leftmost placement, unchanged base first): chr19-7640554-C-CTG. GRCh37 (hg19) VCF-style: chr19-7705440-C-CTG.
Other names: c.151-176TG[6] (NM_001414484.1); c.247-143TG[6] (NM_001272034.2); c.247-185TG[6] (NM_001127396.3).
Identifiers: ClinVar variation 2687923 (VCV002687923.2), dbSNP rs34833262, ClinGen allele CA9143498.